The following is an entry in ClinVar:

ClinVar aggregate classification (germline): Uncertain significance. Review status: criteria provided, multiple submitters, no conflicts (2 of 4 stars). 4 submissions from 4 submitters: Uncertain significance (3). 1 of the submissions does not count toward it. Last evaluated 2025-11-17.

Conditions:
Dyskeratosis congenita. Identifiers: Orphanet 1775, MedGen C0265965, MONDO:0015780.
Dyskeratosis congenita, autosomal dominant 3. Identifiers: MedGen C3151445, MONDO:0013522, OMIM 613990.
Revesz syndrome. Also called: EXUDATIVE RETINOPATHY WITH BONE MARROW FAILURE; DYSKERATOSIS CONGENITA, AUTOSOMAL DOMINANT 5. Identifiers: Orphanet 3088, MedGen C1327916, MONDO:0009990, OMIM 268130.

Allele frequency attached by ClinVar (database versions not stated): gnomAD exomes 0.00001.
gnomAD v4.1: 4 of 1,614,190 alleles (0.00025%); highest among the groups gnomAD compares: Non-Finnish European, 0.00034%; no homozygotes.

Submissions (4):

GeneDx
Classification: Uncertain significance. Last evaluated: 2025-11-17. Review status: criteria provided, single submitter. Criteria: GeneDx Variant Classification Process June 2021. Collection method: clinical testing. Allele origin: germline. Affected: yes.
Comment: Nonsense variant predicted to result in protein truncation or nonsense mediated decay in a gene or region of a gene for which loss of function is not a well-established mechanism of disease; Not observed at significant frequency in large population cohorts (gnomAD); Has not been previously published as pathogenic or benign to our knowledge; This variant is associated with the following publications: (PMID: 36249522)

Labcorp Genetics (formerly Invitae), Labcorp
Classification: Uncertain significance for Dyskeratosis congenita. Last evaluated: 2024-10-05. Review status: criteria provided, single submitter. Criteria: Invitae Variant Classification Sherloc (09022015). Collection method: clinical testing. Allele origin: germline.
Comment: This sequence change creates a premature translational stop signal (p.Cys27*) in the TINF2 gene. It is expected to result in an absent or disrupted protein product. However, the current clinical and genetic evidence is not sufficient to establish whether loss-of-function variants in TINF2 cause disease. This variant is not present in population databases (gnomAD no frequency). This variant has not been reported in the literature in individuals affected with TINF2-related conditions. ClinVar contains an entry for this variant (Variation ID: 417880). In summary, the available evidence is currently insufficient to determine the role of this variant in disease. Therefore, it has been classified as a Variant of Uncertain Significance.

Blueprint Genetics
Classification: Uncertain significance. Last evaluated: 2023-11-06. Review status: criteria provided, single submitter. Criteria: ACMG Guidelines, 2015. Collection method: clinical testing. Allele origin: germline.

Division of Human Genetics, Children's Hospital of Philadelphia
Classification: Likely pathogenic for Dyskeratosis congenita, autosomal dominant 3; Revesz syndrome. Last evaluated: 2016-04-07. Review status: no assertion criteria provided. Collection method: research. Allele origin: paternal. Affected: yes. Study: CSER-PediSeq. Not counted in ClinVar's aggregate classification.

NM_001099274.3(TINF2):c.81C>A (p.Cys27Ter)

Genes: TINF2 (TERF1 interacting nuclear factor 2; minus strand), LOC130055403 (ATAC-STARR-seq lymphoblastoid active region 8199; plus strand). Cytogenetic location: 14q12.
Variant type: single nucleotide variant.
Coding change: c.81C>A on transcript NM_001099274.3 (MANE Select); coding-DNA position 81, C replaced by A.
Protein change: p.Cys27Ter; replaces cysteine 27 with a stop codon.
Molecular consequence: nonsense.
Genome position (GRCh38, 1-based): chr14:24,242,252, G>T on the plus strand (C>A on the coding strand, the complement: TINF2 is on the minus strand). VCF-style: chr14-24242252-G-T. GRCh37 (hg19) VCF-style: chr14-24711458-G-T.
Other names: c.81C>A, p.Cys27Ter (NM_001363668.2, NM_012461.3); short protein forms C27*.
Identifiers: ClinVar variation 417880 (VCV000417880.10), dbSNP rs1060499576, ClinGen allele CA16616926.